The following is an entry in ClinVar:

NM_031924.8(RSPH3):c.552T>G (p.Ile184Met)

Gene: RSPH3 (radial spoke head 3; minus strand). Cytogenetic location: 6q25.3.
Variant type: single nucleotide variant.
Coding change: c.552T>G on transcript NM_031924.8 (MANE Select); coding-DNA position 552, T replaced by G.
Protein change: p.Ile184Met; replaces isoleucine 184 with methionine.
Molecular consequence: missense variant. On other transcripts: non-coding transcript variant (1).
Genome position (GRCh38, 1-based): chr6:158,982,629, A>C on the plus strand (T>G on the coding strand, the complement: RSPH3 is on the minus strand). VCF-style: chr6-158982629-A-C. GRCh37 (hg19) VCF-style: chr6-159403661-A-C.
Other names: c.690T>G, p.Ile230Met (NM_001346418.1); short protein forms I230M, I184M.
Identifiers: ClinVar variation 542469 (VCV000542469.10), dbSNP rs141317681, ClinGen allele CA151040907.

ClinVar aggregate classification (germline): Uncertain significance. Review status: criteria provided, multiple submitters, no conflicts (2 of 4 stars). 2 submissions from 2 submitters: Uncertain significance (2). Last evaluated 2025-04-26.

Conditions:
Primary ciliary dyskinesia 32. Also called: CILIARY DYSKINESIA, PRIMARY, 32, WITHOUT SITUS INVERSUS. Identifiers: Orphanet 244, MedGen C4225311, MONDO:0014657, OMIM 616481.
Inborn genetic diseases. Identifiers: MedGen C0950123, MeSH D030342.

Allele frequency attached by ClinVar (database versions not stated): gnomAD exomes below 0.00001 and 0.00001; gnomAD 0.00002; TOPMed 0.00002; ESP Exome Variant Server 0.00008.
gnomAD v4.1: 10 of 1,613,906 alleles (0.00062%); highest among the groups gnomAD compares: African/African-American, 0.012%; no homozygotes.

Submissions (2):

Labcorp Genetics (formerly Invitae), Labcorp
Classification: Uncertain significance for Primary ciliary dyskinesia 32. Last evaluated: 2025-04-26. Review status: criteria provided, single submitter. Criteria: Invitae Variant Classification Sherloc (09022015). Collection method: clinical testing. Allele origin: germline.
Comment: This sequence change replaces isoleucine, which is neutral and non-polar, with methionine, which is neutral and non-polar, at codon 326 of the RSPH3 protein (p.Ile326Met). This variant is present in population databases (rs141317681, gnomAD 0.008%). This variant has not been reported in the literature in individuals affected with RSPH3-related conditions. ClinVar contains an entry for this variant (Variation ID: 542469). An algorithm developed to predict the effect of missense changes on protein structure and function (PolyPhen-2) suggests that this variant is likely to be disruptive. In summary, the available evidence is currently insufficient to determine the role of this variant in disease. Therefore, it has been classified as a Variant of Uncertain Significance.

Ambry Genetics
Classification: Uncertain significance for Inborn genetic diseases. Last evaluated: 2022-08-08. Review status: criteria provided, single submitter. Criteria: Ambry Variant Classification Scheme 2023. Collection method: clinical testing. Allele origin: germline.